The following is an entry in ClinVar:

ClinVar aggregate classification (germline): Pathogenic (1 of 4 stars; one submission).

Submission:

CeGaT Center for Human Genetics Tuebingen
Classification: Pathogenic. Last evaluated: 2026-02-01. Review status: criteria provided, single submitter. Criteria: CeGaT Center For Human Genetics Tuebingen Variant Classification Criteria Version 2. Collection method: clinical testing. Allele origin: germline. Affected: yes. Observed: 5 variant alleles.
Comment: SGCE: PVS1, PM2

NM_003919.3(SGCE):c.811_812del (p.Cys271fs)

Genes: CASD1 (CAS1 domain sialic acid O acetyltransferase 1; plus strand), SGCE (sarcoglycan epsilon; minus strand). Cytogenetic location: 7q21.3.
Variant type: Deletion.
Coding change: c.811_812del on transcript NM_003919.3 (MANE Select); coding-DNA positions 811 to 812, 2 bases deleted (TG; older notation c.811_812delTG).
Protein change: p.Cys271fs; shifts the reading frame from cysteine 271.
Molecular consequence: frameshift variant.
Genome position (GRCh38, 1-based): chr7:94,603,303-94,603,304, CA deleted on the plus strand (TG on the coding strand, the reverse complement: SGCE is on the minus strand); deleting any 2 consecutive bases within chr7:94,603,303-94,603,305 gives the same sequence; the c. name uses the placement nearest the transcript's 3' end. VCF-style (leftmost placement, unchanged base first): chr7-94603302-GCA-G. GRCh37 (hg19) VCF-style: chr7-94232614-GCA-G.
Other names: c.811_812del, p.Cys271fs (NM_001099400.2, NM_001099401.2, NM_001346717.2); c.688_689del, p.Cys230fs (NM_001301139.2, NM_001362809.2); c.919_920del, p.Cys307fs (NM_001346713.2, NM_001346715.2); c.724_725del, p.Cys242fs (NM_001346719.2, NM_001362807.2); c.538_539del, p.Cys180fs (NM_001346720.2, NM_001362808.2); short protein forms C180fs, C230fs, C242fs, C271fs, C307fs.
Identifiers: ClinVar variation 1711658 (VCV001711658.30), dbSNP rs2484972450, ClinGen allele CA2580077898.